The following is an entry in ClinVar:

NM_001297595.2(SIN3B):c.3093C>T (p.His1031=)

Gene: SIN3B (SIN3 transcription regulator family member B; plus strand). Cytogenetic location: 19p13.11.
Variant type: single nucleotide variant.
Coding change: c.3093C>T on transcript NM_001297595.2 (MANE Select); coding-DNA position 3093, C replaced by T.
Protein change: p.His1031=; no amino-acid change (histidine 1031 retained).
Molecular consequence: synonymous variant.
Genome position (GRCh38, 1-based): chr19:16,878,321, C>T. VCF-style: chr19-16878321-C-T. GRCh37 (hg19) VCF-style: chr19-16989132-C-T.
Other names: c.1863C>T, p.His621= (NM_001297597.2); c.3189C>T, p.His1063= (NM_015260.4).
Identifiers: ClinVar variation 3770750 (VCV003770750.13).

ClinVar aggregate classification (germline): Likely benign (1 of 4 stars; one submission).

gnomAD v4.1: 3,021 of 1,612,242 alleles (0.19%); highest among the groups gnomAD compares: Non-Finnish European, 0.22%; 1 homozygote.

Submission:

CeGaT Center for Human Genetics Tuebingen
Classification: Likely benign. Last evaluated: 2025-11-01. Review status: criteria provided, single submitter. Criteria: CeGaT Center For Human Genetics Tuebingen Variant Classification Criteria Version 2. Collection method: clinical testing. Allele origin: germline. Affected: yes. Observed: 3 variant alleles.
Comment: SIN3B: BP4, BP7